The following is an entry in ClinVar:

ClinVar aggregate classification (germline): Uncertain significance (1 of 4 stars; one submission).

gnomAD v4.1: 1 of 1,605,962 alleles (0.000062%); highest among the groups gnomAD compares: Non-Finnish European, 0.000085%; no homozygotes.

Submission:

Dasa
Classification: Uncertain significance. Last evaluated: 2025-08-04. Review status: criteria provided, single submitter. Criteria: DASA Assertion Criteria. Collection method: clinical testing. Allele origin: germline.
Comment: NM_005862.3(STAG1):c.1205A>G (p.His402Arg) is a missense variant that results in the substitution of histidine with arginine. This variant is rare in population databases. The currently available literature and clinical evidence are not sufficient to establish a definitive association between this variant and the reported condition. Therefore, this variant is classified as a variant of uncertain significance.

NM_005862.3(STAG1):c.1205A>G (p.His402Arg)

Gene: STAG1 (STAG1 cohesin complex component; minus strand). Cytogenetic location: 3q22.3.
Variant type: single nucleotide variant.
Coding change: c.1205A>G on transcript NM_005862.3 (MANE Select); coding-DNA position 1205, A replaced by G.
Protein change: p.His402Arg; replaces histidine 402 with arginine.
Molecular consequence: missense variant.
Genome position (GRCh38, 1-based): chr3:136,472,413, T>C on the plus strand (A>G on the coding strand, the complement: STAG1 is on the minus strand). VCF-style: chr3-136472413-T-C. GRCh37 (hg19) VCF-style: chr3-136191255-T-C.
Other names: short protein forms H402R.
Identifiers: ClinVar variation 5020902 (VCV005020902.1).